The following is an entry in ClinVar:

ClinVar aggregate classification (germline): Uncertain significance. Review status: criteria provided, multiple submitters, no conflicts (2 of 4 stars). 2 submissions from 2 submitters: Uncertain significance (2). Last evaluated 2025-07-02.

Conditions:
Myasthenic syndrome, congenital, 22 (CMS22). Also called: PREPL DEFICIENCY. Identifiers: MedGen C4479088, MONDO:0044299, OMIM 616224.
Inborn genetic diseases. Identifiers: MedGen C0950123, MeSH D030342.

Allele frequency attached by ClinVar (database versions not stated): gnomAD exomes 0.00002 and 0.00010; gnomAD 0.00003; ExAC 0.00008; TOPMed 0.00011.
gnomAD v4.1: 36 of 1,611,530 alleles (0.0022%); highest among the groups gnomAD compares: Admixed American, 0.057%; no homozygotes.

Submissions (2):

Ambry Genetics
Classification: Uncertain significance for Inborn genetic diseases. Last evaluated: 2025-07-02. Review status: criteria provided, single submitter. Criteria: Ambry Variant Classification Scheme 2023. Collection method: clinical testing. Allele origin: germline.

Labcorp Genetics (formerly Invitae), Labcorp
Classification: Uncertain significance for Myasthenic syndrome, congenital, 22. Last evaluated: 2022-08-16. Review status: criteria provided, single submitter. Criteria: Invitae Variant Classification Sherloc (09022015). Collection method: clinical testing. Allele origin: germline.
Comment: This sequence change replaces isoleucine, which is neutral and non-polar, with phenylalanine, which is neutral and non-polar, at codon 699 of the PREPL protein (p.Ile699Phe). This variant is present in population databases (rs751603399, gnomAD 0.08%). This variant has not been reported in the literature in individuals affected with PREPL-related conditions. ClinVar contains an entry for this variant (Variation ID: 570518). Algorithms developed to predict the effect of missense changes on protein structure and function are either unavailable or do not agree on the potential impact of this missense change (SIFT: "Deleterious"; PolyPhen-2: "Benign"; Align-GVGD: "Class C0"). In summary, the available evidence is currently insufficient to determine the role of this variant in disease. Therefore, it has been classified as a Variant of Uncertain Significance.

NM_001171613.2(PREPL):c.1828A>T (p.Ile610Phe)

Genes: PREPL (prolyl endopeptidase like; minus strand), SLC3A1 (solute carrier family 3 member 1; plus strand). Cytogenetic location: 2p21.
Variant type: single nucleotide variant.
Coding change: c.1828A>T on transcript NM_001171613.2 (MANE Select); coding-DNA position 1828, A replaced by T.
Protein change: p.Ile610Phe; replaces isoleucine 610 with phenylalanine.
Molecular consequence: missense variant. On other transcripts: 3 prime UTR variant (1).
Genome position (GRCh38, 1-based): chr2:44,321,445, T>A on the plus strand (A>T on the coding strand, the complement: PREPL is on the minus strand). VCF-style: chr2-44321445-T-A. GRCh37 (hg19) VCF-style: chr2-44548584-T-A.
Other names: c.*806T>A (NM_000341.4); c.1909A>T, p.Ile637Phe (NM_001042385.2); c.1897A>T, p.Ile633Phe (NM_001042386.2); c.2095A>T, p.Ile699Phe (NM_001171603.1, NM_001171606.2, NM_001374275.1 and 2 more transcripts); c.1828A>T, p.Ile610Phe (NM_001171617.1, NM_001374277.1); short protein forms I699F, I633F, I610F, I637F.
Identifiers: ClinVar variation 570518 (VCV000570518.9), dbSNP rs751603399, ClinGen allele CA1640885.